The following is an entry in ClinVar:

NM_002691.4(POLD1):c.1456A>T (p.Lys486Ter)

Gene: POLD1 (DNA polymerase delta 1, catalytic subunit; plus strand). Cytogenetic location: 19q13.33.
Variant type: single nucleotide variant.
Coding change: c.1456A>T on transcript NM_002691.4 (MANE Select); coding-DNA position 1456, A replaced by T.
Protein change: p.Lys486Ter; replaces lysine 486 with a stop codon.
Molecular consequence: nonsense. On other transcripts: non-coding transcript variant (1).
Genome position (GRCh38, 1-based): chr19:50,406,479, A>T. VCF-style: chr19-50406479-A-T. GRCh37 (hg19) VCF-style: chr19-50909736-A-T.
Other names: c.1456A>T, p.Lys486Ter (NM_001256849.1, NM_001308632.1); short protein forms K486*.
Identifiers: ClinVar variation 3722911 (VCV003722911.2).

ClinVar aggregate classification (germline): Uncertain significance (1 of 4 stars; one submission).

Conditions:
POLD1-related polyposis and colorectal cancer syndrome (CRCS10). Also called: Colorectal cancer 10; COLORECTAL CANCER, SUSCEPTIBILITY TO, ON CHROMOSOME 19q; Colorectal cancer, susceptibility to, 10. Identifiers: Orphanet 220460, MedGen C2675481, MONDO:0012953, OMIM 612591.

Submission:

Labcorp Genetics (formerly Invitae), Labcorp
Classification: Uncertain significance for POLD1-related polyposis and colorectal cancer syndrome. Last evaluated: 2024-10-15. Review status: criteria provided, single submitter. Criteria: Invitae Variant Classification Sherloc (09022015). Collection method: clinical testing. Allele origin: germline.
Comment: This sequence change creates a premature translational stop signal (p.Lys486*) in the POLD1 gene. Missense variants that disrupt the 3'-5' exonuclease (proof-reading) activity of the POLD1 protein are associated with PPAP (polymerase proofreading–associated polyposis) (PMID: 23263490, 23447401). However, loss-of-function variants that result in an absent or severely disrupted POLD1 protein, and missense variants outside the exonuclease domain, are unlikely to be associated with PPAP. This variant is not present in population databases (gnomAD no frequency). This variant has not been reported in the literature in individuals affected with POLD1-related conditions. In summary, the available evidence is currently insufficient to determine the role of this variant in disease. Therefore, it has been classified as a Variant of Uncertain Significance.

Literature cited by the submitters: PubMed 23263490; PubMed 23447401.